The following is an entry in ClinVar:

ClinVar aggregate classification (germline): Uncertain significance. Review status: criteria provided, multiple submitters, no conflicts (2 of 4 stars). 2 submissions from 2 submitters: Uncertain significance (2). Last evaluated 2026-07-01.

Allele frequency attached by ClinVar (database versions not stated): ESP Exome Variant Server 0.00008; gnomAD 0.00008; TOPMed 0.00007; ExAC 0.00009.
gnomAD v4.1: 175 of 1,612,012 alleles (0.011%); highest among the groups gnomAD compares: East Asian, 0.025%; no homozygotes.

Submissions (2):

CeGaT Center for Human Genetics Tuebingen
Classification: Uncertain significance. Last evaluated: 2026-07-01. Review status: criteria provided, single submitter. Criteria: CeGaT Center For Human Genetics Tuebingen Variant Classification Criteria Version 2. Collection method: clinical testing. Allele origin: germline. Affected: yes. Observed: 2 variant alleles.
Comment: ABCA2: PM2

Ambry Genetics
Classification: Uncertain significance. Last evaluated: 2023-04-07. Review status: criteria provided, single submitter. Criteria: Ambry Variant Classification Scheme 2023. Collection method: clinical testing. Allele origin: germline.

NM_001606.5(ABCA2):c.6538G>A (p.Ala2180Thr)

Gene: ABCA2 (ATP binding cassette subfamily A member 2; minus strand). Cytogenetic location: 9q34.3.
Variant type: single nucleotide variant.
Coding change: c.6538G>A on transcript NM_001606.5 (MANE Select); coding-DNA position 6538, G replaced by A.
Protein change: p.Ala2180Thr; replaces alanine 2180 with threonine.
Molecular consequence: missense variant.
Genome position (GRCh38, 1-based): chr9:137,009,861, C>T on the plus strand (G>A on the coding strand, the complement: ABCA2 is on the minus strand). VCF-style: chr9-137009861-C-T. GRCh37 (hg19) VCF-style: chr9-139904313-C-T.
Other names: c.6535G>A, p.Ala2179Thr (NM_001411042.1); c.6628G>A, p.Ala2210Thr (NM_212533.3); short protein forms A2180T, A2179T, A2210T.
Identifiers: ClinVar variation 2564923 (VCV002564923.24), dbSNP rs374618311, ClinGen allele CA5353552.
Genomic context (GRCh38, chr9:137,009,861, plus strand): 5'-CGATGGCCGTGGAGAGCTTCCGCTTGTTGCCGCCGCTGTAGGTGCCAGCCGGCTTGTCTG[C>T]GTACTTGGTCAGCTCCAGCTTCTCCAGAGCCCACTTCACCACCTGGCCAGGGAACGCAGG-3'
Protein context (NP_001597.2, residues 2170-2190): ALEKLELTKY[Ala2180Thr]DKPAGTYSGG